The following is an entry in ClinVar:

NM_001164665.2(KIAA1549):c.1351C>G (p.Leu451Val)

Gene: KIAA1549 (KIAA1549; minus strand). Cytogenetic location: 7q34.
Variant type: single nucleotide variant.
Coding change: c.1351C>G on transcript NM_001164665.2 (MANE Select); coding-DNA position 1351, C replaced by G.
Protein change: p.Leu451Val; replaces leucine 451 with valine.
Molecular consequence: missense variant.
Genome position (GRCh38, 1-based): chr7:138,918,275, G>C on the plus strand (C>G on the coding strand, the complement: KIAA1549 is on the minus strand). VCF-style: chr7-138918275-G-C. GRCh37 (hg19) VCF-style: chr7-138603021-G-C.
Other names: c.1351C>G, p.Leu451Val (NM_020910.3); short protein forms L451V.
Identifiers: ClinVar variation 1061693 (VCV001061693.9), dbSNP rs1812413905, ClinGen allele CA369399182.

ClinVar aggregate classification (germline): Uncertain significance (1 of 4 stars; one submission).

Allele frequency attached by ClinVar (database versions not stated): TOPMed below 0.00001.

Submission:

Labcorp Genetics (formerly Invitae), Labcorp
Classification: Uncertain significance. Last evaluated: 2020-10-06. Review status: criteria provided, single submitter. Criteria: Invitae Variant Classification Sherloc (09022015). Collection method: clinical testing. Allele origin: germline.
Comment: In summary, the available evidence is currently insufficient to determine the role of this variant in disease. Therefore, it has been classified as a Variant of Uncertain Significance. Algorithms developed to predict the effect of missense changes on protein structure and function (SIFT, PolyPhen-2, Align-GVGD) all suggest that this variant is likely to be tolerated, but these predictions have not been confirmed by published functional studies and their clinical significance is uncertain. This variant has not been reported in the literature in individuals with KIAA1549-related conditions. This variant is not present in population databases (ExAC no frequency). This sequence change replaces leucine with valine at codon 451 of the KIAA1549 protein (p.Leu451Val). The leucine residue is moderately conserved and there is a small physicochemical difference between leucine and valine.